The following is an entry in ClinVar:

ClinVar aggregate classification (germline): Conflicting classifications of pathogenicity. Review status: criteria provided, conflicting classifications (1 of 4 stars). 2 submissions from 2 submitters: Uncertain significance (1); Likely benign (1). Last evaluated 2026-01-28.

Conditions:
Progressive myoclonic epilepsy type 7. Identifiers: Orphanet 435438, MedGen C4015420, MONDO:0014521, OMIM 616187.

Allele frequency attached by ClinVar (database versions not stated): gnomAD exomes 0.00001 and 0.00002; ExAC 0.00002; gnomAD 0.00003; TOPMed 0.00009; ESP Exome Variant Server 0.00015.
gnomAD v4.1: 12 of 1,614,006 alleles (0.00074%); highest among the groups gnomAD compares: African/African-American, 0.012%; no homozygotes.

Submissions (2):

Labcorp Genetics (formerly Invitae), Labcorp
Classification: Uncertain significance for Progressive myoclonic epilepsy type 7. Last evaluated: 2026-01-28. Review status: criteria provided, single submitter. Criteria: Invitae Variant Classification Sherloc (09022015). Collection method: clinical testing. Allele origin: germline.
Comment: This sequence change replaces glutamine, which is neutral and polar, with glutamic acid, which is acidic and polar, at codon 484 of the KCNC1 protein (p.Gln484Glu). This variant is present in population databases (rs376505218, gnomAD 0.03%). This variant has not been reported in the literature in individuals affected with KCNC1-related conditions. ClinVar contains an entry for this variant (Variation ID: 475351). Invitae Evidence Modeling of protein sequence and biophysical properties (such as structural, functional, and spatial information, amino acid conservation, physicochemical variation, residue mobility, and thermodynamic stability) indicates that this missense variant is not expected to disrupt KCNC1 protein function with a negative predictive value of 95%. In summary, the available evidence is currently insufficient to determine the role of this variant in disease. Therefore, it has been classified as a Variant of Uncertain Significance.

GeneDx
Classification: Likely benign. Last evaluated: 2018-08-31. Review status: criteria provided, single submitter. Criteria: GeneDx Variant Classification Process June 2021. Collection method: clinical testing. Allele origin: germline. Affected: yes.

NM_001112741.2(KCNC1):c.1450C>G (p.Gln484Glu)

Gene: KCNC1 (potassium voltage-gated channel subfamily C member 1; plus strand). Cytogenetic location: 11p15.1.
Variant type: single nucleotide variant.
Coding change: c.1450C>G on transcript NM_001112741.2 (MANE Select); coding-DNA position 1450, C replaced by G.
Protein change: p.Gln484Glu; replaces glutamine 484 with glutamic acid.
Molecular consequence: missense variant.
Genome position (GRCh38, 1-based): chr11:17,772,544, C>G. VCF-style: chr11-17772544-C-G. GRCh37 (hg19) VCF-style: chr11-17794091-C-G.
Other names: c.1450C>G, p.Gln484Glu (NM_004976.4); short protein forms Q484E.
Identifiers: ClinVar variation 475351 (VCV000475351.13), dbSNP rs376505218, ClinGen allele CA5906809.
Genomic context (GRCh38, chr11:17,772,544, plus strand): 5'-CCGCAGCTGGGATCTCCCAATTATTGTAAATCTGTCGTAAACTCTCCACACCACAGTACT[C>G]AGAGTGACACATGTCCGCTGGCCCAGGAAGAAATTTTAGAAATTAACAGAGCAGGTAGGA-3'
Protein context (NP_001106212.1, residues 474-494): SVVNSPHHST[Gln484Glu]SDTCPLAQEE